The following is an entry in ClinVar:

NM_001164665.2(KIAA1549):c.1345G>A (p.Glu449Lys)

Gene: KIAA1549 (KIAA1549; minus strand). Cytogenetic location: 7q34.
Variant type: single nucleotide variant.
Coding change: c.1345G>A on transcript NM_001164665.2 (MANE Select); coding-DNA position 1345, G replaced by A.
Protein change: p.Glu449Lys; replaces glutamic acid 449 with lysine.
Molecular consequence: missense variant.
Genome position (GRCh38, 1-based): chr7:138,918,281, C>T on the plus strand (G>A on the coding strand, the complement: KIAA1549 is on the minus strand). VCF-style: chr7-138918281-C-T. GRCh37 (hg19) VCF-style: chr7-138603027-C-T.
Other names: c.1345G>A, p.Glu449Lys (NM_020910.3); short protein forms E449K.
Identifiers: ClinVar variation 836677 (VCV000836677.8), dbSNP rs746094701, ClinGen allele CA4506743.

ClinVar aggregate classification (germline): Uncertain significance. Review status: criteria provided, multiple submitters, no conflicts (2 of 4 stars). 2 submissions from 2 submitters: Uncertain significance (2). Last evaluated 2022-10-04.

Conditions:
Inborn genetic diseases. Identifiers: MedGen C0950123, MeSH D030342.

Allele frequency attached by ClinVar (database versions not stated): gnomAD 0.00001 and 0.00002; TOPMed 0.00001.
gnomAD v4.1: 41 of 1,613,878 alleles (0.0025%); highest among the groups gnomAD compares: South Asian, 0.033%; 1 homozygote.

Submissions (2):

Ambry Genetics
Classification: Uncertain significance for Inborn genetic diseases. Last evaluated: 2022-10-04. Review status: criteria provided, single submitter. Criteria: Ambry Variant Classification Scheme 2023. Collection method: clinical testing. Allele origin: germline.

Labcorp Genetics (formerly Invitae), Labcorp
Classification: Uncertain significance. Last evaluated: 2022-09-06. Review status: criteria provided, single submitter. Criteria: Invitae Variant Classification Sherloc (09022015). Collection method: clinical testing. Allele origin: germline.
Comment: This sequence change replaces glutamic acid, which is acidic and polar, with lysine, which is basic and polar, at codon 449 of the KIAA1549 protein (p.Glu449Lys). This variant is present in population databases (rs746094701, gnomAD 0.04%). This variant has not been reported in the literature in individuals affected with KIAA1549-related conditions. ClinVar contains an entry for this variant (Variation ID: 836677). Algorithms developed to predict the effect of missense changes on protein structure and function are either unavailable or do not agree on the potential impact of this missense change (SIFT: "Deleterious"; PolyPhen-2: "Probably Damaging"; Align-GVGD: "Class C0"). In summary, the available evidence is currently insufficient to determine the role of this variant in disease. Therefore, it has been classified as a Variant of Uncertain Significance.